The following is an entry in ClinVar:

NM_015122.3(FCHO1):c.1019C>A (p.Ser340Tyr)

Gene: FCHO1 (FCH and mu domain containing endocytic adaptor 1; plus strand). Cytogenetic location: 19p13.11.
Variant type: single nucleotide variant.
Coding change: c.1019C>A on transcript NM_015122.3 (MANE Select); coding-DNA position 1019, C replaced by A.
Protein change: p.Ser340Tyr; replaces serine 340 with tyrosine.
Molecular consequence: missense variant. On other transcripts: non-coding transcript variant (36).
Genome position (GRCh38, 1-based): chr19:17,775,998, C>A. VCF-style: chr19-17775998-C-A. GRCh37 (hg19) VCF-style: chr19-17886807-C-A.
Other names: c.1019C>A, p.Ser340Tyr (NM_001161357.2, NM_001161358.2, NM_001384370.1 and 25 more transcripts); c.869C>A, p.Ser290Tyr (NM_001161359.2, NM_001384384.1, NM_001384385.1 and 3 more transcripts); c.980C>A, p.Ser327Tyr (NM_001384388.1, NM_001384389.1, NM_001384405.1); c.944C>A, p.Ser315Tyr (NM_001384390.1); c.974C>A, p.Ser325Tyr (NM_001384403.1); short protein forms S290Y, S315Y, S340Y, S325Y, S327Y.
Identifiers: ClinVar variation 2070264 (VCV002070264.3), dbSNP rs1365363328, ClinGen allele CA404751005.
Genomic context (GRCh38, chr19:17,775,998, plus strand): 5'-GGAAAGCTTGTGTTGGGATTGGCTTGGACCTTGACTGCAGCCCACGCACGGCCGAGCCCT[C>A]CCGTTTCTCGTCCAGCGACTCCGACTTCGACGATGAAGAGCCCCGCAAGTTCTATGTGCA-3'
Protein context (NP_055937.1, residues 330-350): DVTQNSTAEP[Ser340Tyr]RFSSSDSDFD

ClinVar aggregate classification (germline): Uncertain significance (1 of 4 stars; one submission).

Allele frequency attached by ClinVar (database versions not stated): TOPMed 0.00005.

Submission:

Labcorp Genetics (formerly Invitae), Labcorp
Classification: Uncertain significance. Last evaluated: 2022-01-02. Review status: criteria provided, single submitter. Criteria: Invitae Variant Classification Sherloc (09022015). Collection method: clinical testing. Allele origin: germline.
Comment: This variant is not present in population databases (gnomAD no frequency). This sequence change replaces serine, which is neutral and polar, with tyrosine, which is neutral and polar, at codon 340 of the FCHO1 protein (p.Ser340Tyr). This variant has not been reported in the literature in individuals affected with FCHO1-related conditions. Algorithms developed to predict the effect of missense changes on protein structure and function are either unavailable or do not agree on the potential impact of this missense change (SIFT: "Deleterious"; PolyPhen-2: "Possibly Damaging"; Align-GVGD: "Class C0"). In summary, the available evidence is currently insufficient to determine the role of this variant in disease. Therefore, it has been classified as a Variant of Uncertain Significance.